The following is an entry in ClinVar:

ClinVar aggregate classification (germline): Uncertain significance. Review status: criteria provided, multiple submitters, no conflicts (2 of 4 stars). 2 submissions from 2 submitters: Uncertain significance (2). Last evaluated 2025-09-25.

Conditions:
Inborn genetic diseases. Identifiers: MedGen C0950123, MeSH D030342.
Autosomal recessive distal spinal muscular atrophy 1. Also called: NEURONOPATHY, SEVERE INFANTILE AXONAL, WITH RESPIRATORY FAILURE; SEVERE INFANTILE AXONAL NEUROPATHY WITH RESPIRATORY FAILURE; NEURONOPATHY, DISTAL HEREDITARY MOTOR, HARDING TYPE VI; NEUROPATHY, DISTAL HEREDITARY MOTOR, AUTOSOMAL RECESSIVE 1; SPINAL MUSCULAR ATROPHY, DIAPHRAGMATIC; Spinal muscular atrophy with respiratory distress 1. Identifiers: Orphanet 98920, MedGen C1858517, MONDO:0011436, OMIM 604320.
Charcot-Marie-Tooth disease axonal type 2S. Also called: CHARCOT-MARIE-TOOTH NEUROPATHY, TYPE 2S; CHARCOT-MARIE-TOOTH DISEASE, AXONAL, AUTOSOMAL RECESSIVE, TYPE 2S. Identifiers: Orphanet 443073, MedGen C4015349, MONDO:0014511, OMIM 616155.

Submissions (2):

Ambry Genetics
Classification: Uncertain significance for Inborn genetic diseases. Last evaluated: 2025-09-25. Review status: criteria provided, single submitter. Criteria: Ambry Variant Classification Scheme 2023. Collection method: clinical testing. Allele origin: germline.

Labcorp Genetics (formerly Invitae), Labcorp
Classification: Uncertain significance for Autosomal recessive distal spinal muscular atrophy 1; Charcot-Marie-Tooth disease axonal type 2S. Last evaluated: 2019-07-10. Review status: criteria provided, single submitter. Criteria: Invitae Variant Classification Sherloc (09022015). Collection method: clinical testing. Allele origin: germline.
Comment: In summary, the available evidence is currently insufficient to determine the role of this variant in disease. Therefore, it has been classified as a Variant of Uncertain Significance. Algorithms developed to predict the effect of sequence changes on RNA splicing suggest that this variant may create or strengthen a splice site, but this prediction has not been confirmed by published transcriptional studies. Algorithms developed to predict the effect of missense changes on protein structure and function are either unavailable or do not agree on the potential impact of this missense change (SIFT: "Tolerated"; PolyPhen-2: "Probably Damaging"; Align-GVGD: "Class C0"). This variant has not been reported in the literature in individuals with IGHMBP2-related conditions. This variant is not present in population databases (ExAC no frequency). This sequence change replaces glycine with valine at codon 992 of the IGHMBP2 protein (p.Gly992Val). The glycine residue is weakly conserved and there is a moderate physicochemical difference between glycine and valine.

NM_002180.3(IGHMBP2):c.2975G>T (p.Gly992Val)

Gene: IGHMBP2 (immunoglobulin mu DNA binding protein 2; plus strand). Cytogenetic location: 11q13.3.
Variant type: single nucleotide variant.
Coding change: c.2975G>T on transcript NM_002180.3 (MANE Select); coding-DNA position 2975, G replaced by T.
Protein change: p.Gly992Val; replaces glycine 992 with valine.
Molecular consequence: missense variant.
Genome position (GRCh38, 1-based): chr11:68,939,724, G>T. VCF-style: chr11-68939724-G-T. GRCh37 (hg19) VCF-style: chr11-68707192-G-T.
Other names: short protein forms G992V.
Identifiers: ClinVar variation 949486 (VCV000949486.10), dbSNP rs886048608, ClinGen allele CA381655295.